The following is an entry in ClinVar:

NM_033305.3(VPS13A):c.5747_5748delinsCAAGCAGAAGACGGC (p.Ser1916fs)

Gene: VPS13A (vacuolar protein sorting 13 homolog A; plus strand). Cytogenetic location: 9q21.2.
Variant type: Indel.
Coding change: c.5747_5748delinsCAAGCAGAAGACGGC on transcript NM_033305.3 (MANE Select); coding-DNA positions 5747 to 5748, GT replaced by CAAGCAGAAGACGGC.
Protein change: p.Ser1916fs; shifts the reading frame from serine 1916.
Molecular consequence: frameshift variant.
Genome position (GRCh38, 1-based): chr9:77,321,663-77,321,664, GT replaced by CAAGCAGAAGACGGC. VCF-style: chr9-77321663-GT-CAAGCAGAAGACGGC. GRCh37 (hg19) VCF-style: chr9-79936579-GT-CAAGCAGAAGACGGC.
Other names: c.5630_5631delinsCAAGCAGAAGACGGC, p.Ser1877fs (NM_001018037.2); c.5747_5748delinsCAAGCAGAAGACGGC, p.Ser1916fs (NM_001018038.3, NM_015186.4); short protein forms S1877fs, S1916fs.
Identifiers: ClinVar variation 5011195 (VCV005011195.1).

ClinVar aggregate classification (germline): Pathogenic (1 of 4 stars; one submission).

Conditions:
VPS13A-related neurodegenerative disease. Also called: ACANTHOCYTOSIS WITH NEUROLOGIC DISORDER; LEVINE-CRITCHLEY SYNDROME; Choreoacanthocytosis; Chorea-acanthocytosis; Choreaacanthocytosis; VPS13A Disease. Identifiers: Orphanet 2388, MedGen C0393576, MONDO:0008695, OMIM 200150.

Submission:

Myriad Genetics, Inc.
Classification: Pathogenic for VPS13A-related neurodegenerative disease. Last evaluated: 2024-05-14. Review status: criteria provided, single submitter. Criteria: Myriad Autosomal Dominant, Autosomal Recessive and X-Linked Classification Criteria (2023). Collection method: clinical testing. Allele origin: unknown.
Comment: NM_033305.2(VPS13A):c.5747_5748del2ins15(S1916Tfs*15) is expected to be pathogenic in the context of VPS13A disease. This variant is predicted to lead to an abnormal or absent protein product due to the creation of a premature termination codon in VPS13A, a gene where loss-of-function variants are known to be pathogenic. Please note: this variant was assessed in the context of healthy population screening.